The following is an entry in ClinVar:

ClinVar aggregate classification (germline): Uncertain significance (1 of 4 stars; one submission).

gnomAD v4.1: 2 of 1,614,178 alleles (0.00012%); highest among the groups gnomAD compares: Non-Finnish European, 0.00017%; no homozygotes.

Submission:

GeneDx
Classification: Uncertain significance. Last evaluated: 2023-12-13. Review status: criteria provided, single submitter. Criteria: GeneDx Variant Classification Process June 2021. Collection method: clinical testing. Allele origin: germline.
Comment: Not observed at significant frequency in large population cohorts (gnomAD); In silico analysis supports that this missense variant has a deleterious effect on protein structure/function; Has not been previously published as pathogenic or benign to our knowledge

NM_003470.3(USP7):c.1637A>G (p.Glu546Gly)

Gene: USP7 (ubiquitin specific peptidase 7; minus strand). Cytogenetic location: 16p13.2.
Variant type: single nucleotide variant.
Coding change: c.1637A>G on transcript NM_003470.3 (MANE Select); coding-DNA position 1637, A replaced by G.
Protein change: p.Glu546Gly; replaces glutamic acid 546 with glycine.
Molecular consequence: missense variant. On other transcripts: non-coding transcript variant (1).
Genome position (GRCh38, 1-based): chr16:8,904,502, T>C on the plus strand (A>G on the coding strand, the complement: USP7 is on the minus strand). VCF-style: chr16-8904502-T-C. GRCh37 (hg19) VCF-style: chr16-8998359-T-C.
Other names: c.1589A>G, p.Glu530Gly (NM_001286457.2); c.1340A>G, p.Glu447Gly (NM_001286458.2); c.1463A>G, p.Glu488Gly (NM_001321858.2); c.1637A>G (NM_003470.2); short protein forms E447G, E488G, E530G, E546G.
Identifiers: ClinVar variation 1703339 (VCV001703339.3), dbSNP rs1216655785, ClinGen allele CA394701354.
Genomic context (GRCh38, chr16:8,904,502, plus strand): 5'-TGCATATAGAGATGGGCTTCCTGCCGCTCCTTCCGCTTCTGAGCCTCGATCCTTTTCTCT[T>C]CTTGTAATCGCTCCACCAACTGCTGAGGAATATCATGGTCGGTGACCGCCTGTAAAACTT-3'
Protein context (NP_003461.2, residues 536-556): IPQQLVERLQ[Glu546Gly]EKRIEAQKRK